The following is an entry in ClinVar:

ClinVar aggregate classification (germline): Uncertain significance (1 of 4 stars; one submission).

Allele frequency attached by ClinVar (database versions not stated): gnomAD exomes below 0.00001; ExAC 0.00001.
gnomAD v4.1: 2 of 1,209,651 alleles (0.00017%); highest among the groups gnomAD compares: Non-Finnish European, 0.00022%; no homozygotes.

Submission:

GeneDx
Classification: Uncertain significance. Last evaluated: 2023-10-05. Review status: criteria provided, single submitter. Criteria: GeneDx Variant Classification Process June 2021. Collection method: clinical testing. Allele origin: germline. Affected: yes.
Comment: Not observed at significant frequency in large population cohorts (gnomAD); In silico analysis supports that this missense variant does not alter protein structure/function; Has not been previously published as pathogenic or benign to our knowledge

NM_005334.3(HCFC1):c.3868T>C (p.Ser1290Pro)

Gene: HCFC1 (host cell factor C1; minus strand). Cytogenetic location: Xq28.
Variant type: single nucleotide variant.
Coding change: c.3868T>C on transcript NM_005334.3 (MANE Select); coding-DNA position 3868, T replaced by C.
Protein change: p.Ser1290Pro; replaces serine 1290 with proline.
Molecular consequence: missense variant.
Genome position (GRCh38, 1-based): chrX:153,954,531, A>G on the plus strand (T>C on the coding strand, the complement: HCFC1 is on the minus strand). VCF-style: chrX-153954531-A-G. GRCh37 (hg19) VCF-style: chrX-153219982-A-G.
Other names: c.3868T>C, p.Ser1290Pro (NM_001410705.1); short protein forms S1290P.
Identifiers: ClinVar variation 2662388 (VCV002662388.1), dbSNP rs782420539, ClinGen allele CA10557121.
Genomic context (GRCh38, chrX:153,954,531, plus strand): 5'-CATTCGAGGTAGTGGCGGTGTTGGTGGTGCCTGTCTCGTGGGTCTCACATGGTGGGTTGG[A>G]GCAGACTTGGGTCACGGTGGCCGAGGGGCACAGCAGTGCCTCCAGGGCTGTCACAGTCAC-3'
Protein context (NP_005325.2, residues 1280-1300): CPSATVTQVC[Ser1290Pro]NPPCETHETG